The following is an entry in ClinVar:

ClinVar aggregate classification (germline): Uncertain significance. Review status: criteria provided, multiple submitters, no conflicts (2 of 4 stars). 2 submissions from 2 submitters: Uncertain significance (2). Last evaluated 2026-04-02.

Conditions:
Hereditary cancer-predisposing syndrome. Also called: Tumor predisposition; Hereditary Cancer Syndrome; Neoplastic Syndromes, Hereditary; Hereditary neoplastic syndrome. Identifiers: Orphanet 140162, MedGen C0027672, MeSH D009386, MONDO:0015356.
Gorlin syndrome. Also called: Basal cell nevus syndrome; Nevoid Basal Cell Carcinoma Syndrome. Identifiers: Orphanet 377, MedGen C0004779, MONDO:0007187.

Submissions (2):

Ambry Genetics
Classification: Uncertain significance for Hereditary cancer-predisposing syndrome. Last evaluated: 2026-04-02. Review status: criteria provided, single submitter. Criteria: Ambry Variant Classification Scheme 2023. Collection method: clinical testing. Allele origin: germline.
Comment: The p.R783L variant (also known as c.2348G>T), located in coding exon 15 of the PTCH1 gene, results from a G to T substitution at nucleotide position 2348. The arginine at codon 783 is replaced by leucine, an amino acid with dissimilar properties. This amino acid position is conserved. In addition, this alteration is predicted to be deleterious by in silico analysis. Based on the available evidence, the clinical significance of this variant remains unclear.

Labcorp Genetics (formerly Invitae), Labcorp
Classification: Uncertain significance for Gorlin syndrome. Last evaluated: 2021-06-16. Review status: criteria provided, single submitter. Criteria: Invitae Variant Classification Sherloc (09022015). Collection method: clinical testing. Allele origin: germline.
Comment: In summary, the available evidence is currently insufficient to determine the role of this variant in disease. Therefore, it has been classified as a Variant of Uncertain Significance. Algorithms developed to predict the effect of missense changes on protein structure and function are either unavailable or do not agree on the potential impact of this missense change (SIFT: "Deleterious"; PolyPhen-2: "Possibly Damaging"; Align-GVGD: "Class C0"). This variant has not been reported in the literature in individuals with PTCH1-related disease. This variant is not present in population databases (ExAC no frequency). This sequence change replaces arginine with leucine at codon 783 of the PTCH1 protein (p.Arg783Leu). The arginine residue is moderately conserved and there is a moderate physicochemical difference between arginine and leucine.

NM_000264.5(PTCH1):c.2348G>T (p.Arg783Leu)

Genes: PTCH1 (patched 1; minus strand), LOC100507346 (uncharacterized LOC100507346; plus strand). Cytogenetic location: 9q22.32.
Variant type: single nucleotide variant.
Coding change: c.2348G>T on transcript NM_000264.5 (MANE Select); coding-DNA position 2348, G replaced by T.
Protein change: p.Arg783Leu; replaces arginine 783 with leucine.
Molecular consequence: missense variant.
Genome position (GRCh38, 1-based): chr9:95,467,328, C>A on the plus strand (G>T on the coding strand, the complement: PTCH1 is on the minus strand). VCF-style: chr9-95467328-C-A. GRCh37 (hg19) VCF-style: chr9-98229610-C-A.
Other names: c.2150G>T, p.Arg717Leu (NM_001083602.3); c.2345G>T, p.Arg782Leu (NM_001083603.3); c.1895G>T, p.Arg632Leu (NM_001083604.3, NM_001083605.3, NM_001083606.3 and 1 more transcripts); c.2192G>T, p.Arg731Leu (NM_001354918.2); short protein forms R782L, R783L, R717L, R632L, R731L.
Identifiers: ClinVar variation 646842 (VCV000646842.10), dbSNP rs779296683, ClinGen allele CA374114528.